The following is an entry in ClinVar:

NM_001009999.3(KDM1A):c.223G>C (p.Ala75Pro)

Gene: KDM1A (lysine demethylase 1A; plus strand). Cytogenetic location: 1p36.12.
Variant type: single nucleotide variant.
Coding change: c.223G>C on transcript NM_001009999.3 (MANE Select); coding-DNA position 223, G replaced by C.
Protein change: p.Ala75Pro; replaces alanine 75 with proline.
Molecular consequence: missense variant.
Genome position (GRCh38, 1-based): chr1:23,019,819, G>C. VCF-style: chr1-23019819-G-C. GRCh37 (hg19) VCF-style: chr1-23346312-G-C.
Other names: c.223G>C, p.Ala75Pro (NM_001363654.2, NM_001410762.1, NM_001410763.1 and 1 more transcripts); short protein forms A75P.
Identifiers: ClinVar variation 4622669 (VCV004622669.1).

ClinVar aggregate classification (germline): Uncertain significance (1 of 4 stars; one submission).

Conditions:
Inborn genetic diseases. Identifiers: MedGen C0950123, MeSH D030342.

Submission:

Ambry Genetics
Classification: Uncertain significance for Inborn genetic diseases. Last evaluated: 2025-10-09. Review status: criteria provided, single submitter. Criteria: Ambry Variant Classification Scheme 2023. Collection method: clinical testing. Allele origin: germline.
Comment: The p.A75P variant (also known as c.223G>C), located in coding exon 1 of the KDM1A gene, results from a G to C substitution at nucleotide position 223. The alanine at codon 75 is replaced by proline, an amino acid with highly similar properties. This amino acid position is conserved. In addition, this alteration is predicted to be tolerated by in silico analysis. Based on the available evidence, the clinical significance of this variant remains unclear.